The following is an entry in ClinVar:

ClinVar aggregate classification (germline): Conflicting classifications of pathogenicity. Review status: criteria provided, conflicting classifications (1 of 4 stars). 4 submissions from 4 submitters: Likely pathogenic (1); Uncertain significance (3). Last evaluated 2026-07-07.

Conditions:
Polymicrogyria with or without vascular-type Ehlers-Danlos syndrome. Identifiers: Orphanet 636941, MedGen C5193040, MONDO:0032688, OMIM 618343.
Familial thoracic aortic aneurysm and aortic dissection (TAAD). Also called: Thoracic aortic aneurysms and dissections. Identifiers: Orphanet 91387, MedGen C4707243, MONDO:0019625.
Ehlers-Danlos syndrome, type 4 (EDSVASC). Also called: Ehlers-Danlos syndrome vascular type; Ehlers Danlos syndrome, ecchymotic type; Ehlers Danlos syndrome, arterial type; Ehlers Danlos syndrome, Sack-Barabas type; Ehlers-Danlos Syndrome Type IV. Identifiers: Orphanet 286, MedGen C0268338, MONDO:0017314, OMIM 130050.

Allele frequency attached by ClinVar (database versions not stated): gnomAD exomes below 0.00001; TOPMed below 0.00001.

Submissions (4):

Ambry Genetics
Classification: Uncertain significance for Familial thoracic aortic aneurysm and aortic dissection. Last evaluated: 2026-07-07. Review status: criteria provided, single submitter. Criteria: Ambry Variant Classification Scheme 2023. Collection method: clinical testing. Allele origin: germline.
Comment: The p.Q331L variant (also known as c.992A>T), located in coding exon 14 of the COL3A1 gene, results from an A to T substitution at nucleotide position 992. The glutamine at codon 331 is replaced by leucine, an amino acid with dissimilar properties. This amino acid position is conserved. In addition, the in silico prediction for this alteration is inconclusive. Based on the available evidence, the clinical significance of this variant remains unclear.

All of Us Research Program, National Institutes of Health
Classification: Uncertain significance for Ehlers-Danlos syndrome, type 4. Last evaluated: 2023-10-23. Review status: criteria provided, single submitter. Criteria: ACMG Guidelines, 2015. Collection method: clinical testing. Allele origin: germline. Inheritance: Autosomal dominant inheritance. Observed: 1 variant allele, 1 heterozygote.
Comment: This missense variant replaces glutamine with leucine at codon 331 of the COL3A1 protein. Computational prediction suggests that this variant may not impact protein structure and function (internally defined REVEL score threshold <= 0.5, PMID: 27666373). To our knowledge, functional studies have not been reported for this variant. This variant has not been reported in individuals affected with cardiovascular disorders in the literature. This variant has not been identified in the general population by the Genome Aggregation Database (gnomAD). The available evidence is insufficient to determine the role of this variant in disease conclusively. Therefore, this variant is classified as a Variant of Uncertain Significance.

This study involves interpretation of variants in research participants for the purpose of population health screening. Participant phenotype was not available at the time of variant classification. Additional details can be found in publication PMID: 35346344, PMCID: PMC8962531

Laboratory of Medical Genetics, National & Kapodistrian University of Athens
Classification: Likely pathogenic for Polymicrogyria with or without vascular-type Ehlers-Danlos syndrome. Last evaluated: 2022-03-28. Review status: criteria provided, single submitter. Criteria: ACMG Guidelines, 2015. Collection method: clinical testing. Allele origin: germline. Affected: yes.
Comment: PM2, PP2, PP3

Labcorp Genetics (formerly Invitae), Labcorp
Classification: Uncertain significance for Ehlers-Danlos syndrome, type 4. Last evaluated: 2021-09-02. Review status: criteria provided, single submitter. Criteria: Invitae Variant Classification Sherloc (09022015). Collection method: clinical testing. Allele origin: germline.
Comment: This sequence change replaces glutamine with leucine at codon 331 of the COL3A1 protein (p.Gln331Leu). The glutamine residue is moderately conserved and there is a moderate physicochemical difference between glutamine and leucine. This variant is not present in population databases (ExAC no frequency). This variant has not been reported in the literature in individuals affected with COL3A1-related conditions. Advanced modeling of protein sequence and biophysical properties (such as structural, functional, and spatial information, amino acid conservation, physicochemical variation, residue mobility, and thermodynamic stability) performed at Invitae indicates that this missense variant is not expected to disrupt COL3A1 protein function. In summary, the available evidence is currently insufficient to determine the role of this variant in disease. Therefore, it has been classified as a Variant of Uncertain Significance.

NM_000090.4(COL3A1):c.992A>T (p.Gln331Leu)

Gene: COL3A1 (collagen type III alpha 1 chain; plus strand). Cytogenetic location: 2q32.2.
Variant type: single nucleotide variant.
Coding change: c.992A>T on transcript NM_000090.4 (MANE Select); coding-DNA position 992, A replaced by T.
Protein change: p.Gln331Leu; replaces glutamine 331 with leucine.
Molecular consequence: missense variant.
Genome position (GRCh38, 1-based): chr2:188,992,224, A>T. VCF-style: chr2-188992224-A-T. GRCh37 (hg19) VCF-style: chr2-189856950-A-T.
Other names: short protein forms Q331L.
Identifiers: ClinVar variation 1708144 (VCV001708144.5), dbSNP rs1283050088, ClinGen allele CA349850148.